The following is an entry in ClinVar:

NM_000733.4(CD3E):c.239A>C (p.Asp80Ala)

Gene: CD3E (CD3 epsilon subunit of T-cell receptor complex; plus strand). Cytogenetic location: 11q23.3.
Variant type: single nucleotide variant.
Coding change: c.239A>C on transcript NM_000733.4 (MANE Select); coding-DNA position 239, A replaced by C.
Protein change: p.Asp80Ala; replaces aspartic acid 80 with alanine.
Molecular consequence: missense variant.
Genome position (GRCh38, 1-based): chr11:118,312,753, A>C. VCF-style: chr11-118312753-A-C. GRCh37 (hg19) VCF-style: chr11-118183468-A-C.
Other names: short protein forms D80A.
Identifiers: ClinVar variation 1051198 (VCV001051198.6), dbSNP rs2134766737, ClinGen allele CA382782460.

ClinVar aggregate classification (germline): Uncertain significance (1 of 4 stars; one submission).

Conditions:
Immunodeficiency 18 (IMD18). Also called: CD3-EPSILON DEFICIENCY; CD3epsilon deficiency. Identifiers: MedGen C3810127, MONDO:0014278, OMIM 615615.

Submission:

Labcorp Genetics (formerly Invitae), Labcorp
Classification: Uncertain significance for Immunodeficiency 18. Last evaluated: 2021-09-02. Review status: criteria provided, single submitter. Criteria: Invitae Variant Classification Sherloc (09022015). Collection method: clinical testing. Allele origin: germline.
Comment: This sequence change replaces aspartic acid with alanine at codon 80 of the CD3E protein (p.Asp80Ala). The aspartic acid residue is weakly conserved and there is a moderate physicochemical difference between aspartic acid and alanine. This variant is not present in population databases (ExAC no frequency). This variant has not been reported in the literature in individuals affected with CD3E-related conditions. Algorithms developed to predict the effect of missense changes on protein structure and function (SIFT, PolyPhen-2, Align-GVGD) all suggest that this variant is likely to be tolerated. In summary, the available evidence is currently insufficient to determine the role of this variant in disease. Therefore, it has been classified as a Variant of Uncertain Significance.